The following is an entry in ClinVar:

ClinVar aggregate classification (germline): Uncertain significance (1 of 4 stars; one submission).

Submission:

GeneDx
Classification: Uncertain significance. Last evaluated: 2023-11-30. Review status: criteria provided, single submitter. Criteria: GeneDx Variant Classification Process June 2021. Collection method: clinical testing. Allele origin: germline. Affected: yes.
Comment: Not observed at significant frequency in large population cohorts (gnomAD); In silico analysis supports that this missense variant does not alter protein structure/function; Has not been previously published as pathogenic or benign to our knowledge

NM_017649.5(CNNM2):c.1846A>C (p.Met616Leu)

Gene: CNNM2 (cyclin and CBS domain divalent metal cation transport mediator 2; plus strand). Cytogenetic location: 10q24.32.
Variant type: single nucleotide variant.
Coding change: c.1846A>C on transcript NM_017649.5 (MANE Select); coding-DNA position 1846, A replaced by C.
Protein change: p.Met616Leu; replaces methionine 616 with leucine.
Molecular consequence: missense variant.
Genome position (GRCh38, 1-based): chr10:103,054,409, A>C. VCF-style: chr10-103054409-A-C. GRCh37 (hg19) VCF-style: chr10-104814166-A-C.
Other names: c.1846A>C, p.Met616Leu (NM_199076.3); short protein forms M616L.
Identifiers: ClinVar variation 3365010 (VCV003365010.1).